The following is an entry in ClinVar:

NM_022773.4(LMF1):c.1346G>A (p.Ser449Asn)

Gene: LMF1 (lipase maturation factor 1; minus strand). Cytogenetic location: 16p13.3.
Variant type: single nucleotide variant.
Coding change: c.1346G>A on transcript NM_022773.4 (MANE Select); coding-DNA position 1346, G replaced by A.
Protein change: p.Ser449Asn; replaces serine 449 with asparagine.
Molecular consequence: missense variant. On other transcripts: non-coding transcript variant (1), intron variant (1).
Genome position (GRCh38, 1-based): chr16:869,953, C>T on the plus strand (G>A on the coding strand, the complement: LMF1 is on the minus strand). VCF-style: chr16-869953-C-T. GRCh37 (hg19) VCF-style: chr16-919953-C-T.
Other names: c.695G>A, p.Ser232Asn (NM_001352017.2, NM_001352021.2); c.947G>A, p.Ser316Asn (NM_001352018.2); c.1019G>A, p.Ser340Asn (NM_001352019.2); c.1336+10G>A (NM_001352020.1); short protein forms S232N, S316N, S340N, S449N.
Identifiers: ClinVar variation 3227802 (VCV003227802.1), dbSNP rs2069730429, ClinGen allele CA394123752.

ClinVar aggregate classification (germline): Uncertain significance (1 of 4 stars; one submission).

Conditions:
Cardiovascular phenotype. Identifiers: MedGen CN230736.

Allele frequency attached by ClinVar (database versions not stated): TOPMed below 0.00001; gnomAD exomes 0.00001.
gnomAD v4.1: 14 of 1,613,330 alleles (0.00087%); highest among the groups gnomAD compares: Non-Finnish European, 0.0012%; no homozygotes.

Submission:

Ambry Genetics
Classification: Uncertain significance for Cardiovascular phenotype. Last evaluated: 2024-02-01. Review status: criteria provided, single submitter. Criteria: Ambry Variant Classification Scheme 2023. Collection method: clinical testing. Allele origin: germline.
Comment: The p.S449N variant (also known as c.1346G>A), located in coding exon 9 of the LMF1 gene, results from a G to A substitution at nucleotide position 1346. The serine at codon 449 is replaced by asparagine, an amino acid with highly similar properties. This amino acid position is conserved. In addition, this alteration is predicted to be tolerated by in silico analysis. Based on the available evidence, the clinical significance of this alteration remains unclear.